The following is an entry in ClinVar:

NM_153006.3(NAGS):c.289T>C (p.Ser97Pro)

Gene: NAGS (N-acetylglutamate synthase; plus strand). Cytogenetic location: 17q21.31.
Variant type: single nucleotide variant.
Coding change: c.289T>C on transcript NM_153006.3 (MANE Select); coding-DNA position 289, T replaced by C.
Protein change: p.Ser97Pro; replaces serine 97 with proline.
Molecular consequence: missense variant.
Genome position (GRCh38, 1-based): chr17:44,004,952, T>C. VCF-style: chr17-44004952-T-C. GRCh37 (hg19) VCF-style: chr17-42082320-T-C.
Other names: short protein forms S97P.
Identifiers: ClinVar variation 1998875 (VCV001998875.4), dbSNP rs2509277790, ClinGen allele CA399737441.
Genomic context (GRCh38, chr17:44,004,952, plus strand): 5'-GAGCCGTCGTGGGTGCCGAGTCCCAGGCCCCCGGTGCCCCACGAGTCCCCAGAGCCTCCT[T>C]CGGGCCGCTCGCTGGTGCAGCGGGACATCCAGGCCTTCCTGAACCAGTGCGGGGCCAGCC-3'
Protein context (NP_694551.1, residues 87-107): PVPHESPEPP[Ser97Pro]GRSLVQRDIQ

ClinVar aggregate classification (germline): Uncertain significance (1 of 4 stars; one submission).

Conditions:
Hyperammonemia, type III (NAGSD). Also called: Hyperammonemia due to N-acetylglutamate synthase deficiency. Identifiers: Orphanet 927, MedGen C0268543, MONDO:0009377, OMIM 237310.

Submission:

Labcorp Genetics (formerly Invitae), Labcorp
Classification: Uncertain significance for Hyperammonemia, type III. Last evaluated: 2023-12-18. Review status: criteria provided, single submitter. Criteria: Invitae Variant Classification Sherloc (09022015). Collection method: clinical testing. Allele origin: germline.
Comment: This sequence change replaces serine, which is neutral and polar, with proline, which is neutral and non-polar, at codon 97 of the NAGS protein (p.Ser97Pro). This variant is not present in population databases (gnomAD no frequency). This variant has not been reported in the literature in individuals affected with NAGS-related conditions. ClinVar contains an entry for this variant (Variation ID: 1998875). Advanced modeling of protein sequence and biophysical properties (such as structural, functional, and spatial information, amino acid conservation, physicochemical variation, residue mobility, and thermodynamic stability) performed at Invitae indicates that this missense variant is not expected to disrupt NAGS protein function with a negative predictive value of 80%. In summary, the available evidence is currently insufficient to determine the role of this variant in disease. Therefore, it has been classified as a Variant of Uncertain Significance.